The following is an entry in ClinVar:

ClinVar aggregate classification (germline): Likely benign. Review status: reviewed by expert panel (3 of 4 stars). 3 submissions from 3 submitters: Likely benign (1). 2 of the submissions do not count toward it. Last evaluated 2024-06-24.

Conditions:
Inborn genetic diseases. Identifiers: MedGen C0950123, MeSH D030342.
Hereditary thrombocytopenia and hematologic cancer predisposition syndrome. Identifiers: Orphanet 71290, MedGen CN281654, MONDO:0011071.
Hereditary thrombocytopenia and hematological cancer predisposition syndrome associated with RUNX1. Also called: Familial Platelet Disorder with Propensity to Acute Myelogenous Leukemia; Familial thrombocytopenia with propensity to acute myelogenous leukemia; PLATELET DISORDER, ASPIRIN-LIKE; RUNX1 Familial Platelet Disorder with Associated Myeloid Malignancies. Identifiers: Orphanet 71290, MedGen C1832388, MeSH C563324, MONDO:0100083, OMIM 601399.

Allele frequency attached by ClinVar (database versions not stated): gnomAD exomes below 0.00001.
gnomAD v4.1: 4 of 1,540,694 alleles (0.00026%); highest among the groups gnomAD compares: South Asian, 0.0012%; no homozygotes.

Submissions (3):

ClinGen Myeloid Malignancy Variant Curation Expert Panel
Classification: Likely benign for Hereditary thrombocytopenia and hematologic cancer predisposition syndrome. Last evaluated: 2024-06-24. Review status: reviewed by expert panel. Criteria: ClinGen MyeloMalig ACMG Specifications v2. Collection method: curation. Allele origin: germline. Inheritance: Autosomal dominant inheritance.
Comment: Synonymous variant (no REVEL score applicable), and SpliceAI score is ≤ 0.20 (0.00) (BP4). Evolutionary conservation prediction algorithms predict the site as not being conserved (PhyloP score -0.878 (< 2.0)) (BP7). This variant is completely absent from all population databases with at least 20x coverage for RUNX1 (PM2_supporting). In summary, this variant meets criteria to be classified as likely benign. ACMG/AMP criteria applied, as specified by the Myeloid Malignancy Variant Curation Expert Panel for RUNX1: BP4, BP7, PM2_supporting.

Ambry Genetics
Classification: Likely benign for Inborn genetic diseases. Last evaluated: 2026-03-02. Review status: criteria provided, single submitter. Criteria: Ambry Variant Classification Scheme 2023. Collection method: clinical testing. Allele origin: germline. Not counted in ClinVar's aggregate classification.

Labcorp Genetics (formerly Invitae), Labcorp
Classification: Likely benign for Hereditary thrombocytopenia and hematological cancer predisposition syndrome associated with RUNX1. Last evaluated: 2023-09-12. Review status: criteria provided, single submitter. Criteria: Invitae Variant Classification Sherloc (09022015). Collection method: clinical testing. Allele origin: germline. Not counted in ClinVar's aggregate classification.

NM_001754.5(RUNX1):c.1305C>T (p.Ala435=)

Gene: RUNX1 (RUNX family transcription factor 1; minus strand). Cytogenetic location: 21q22.12.
Variant type: single nucleotide variant.
Coding change: c.1305C>T on transcript NM_001754.5 (MANE Select); coding-DNA position 1305, C replaced by T.
Protein change: p.Ala435=; no amino-acid change (alanine 435 retained).
Molecular consequence: synonymous variant.
Genome position (GRCh38, 1-based): chr21:34,792,273, G>A on the plus strand (C>T on the coding strand, the complement: RUNX1 is on the minus strand). VCF-style: chr21-34792273-G-A. GRCh37 (hg19) VCF-style: chr21-36164570-G-A.
Other names: NM_001754.5(RUNX1):c.1305C>T; p.Ala435=; c.1224C>T, p.Ala408= (NM_001001890.3); c.1305C>T (NM_001754.4).
Identifiers: ClinVar variation 1114554 (VCV001114554.11), dbSNP rs2145873635, ClinGen allele CA512341080.